The following is an entry in ClinVar:

NM_001367805.3(KIF23):c.2110C>G (p.Leu704Val)

Gene: KIF23 (kinesin family member 23; plus strand). Cytogenetic location: 15q23.
Variant type: single nucleotide variant.
Coding change: c.2110C>G on transcript NM_001367805.3 (MANE Select); coding-DNA position 2110, C replaced by G.
Protein change: p.Leu704Val; replaces leucine 704 with valine.
Molecular consequence: missense variant. On other transcripts: non-coding transcript variant (1), intron variant (1).
Genome position (GRCh38, 1-based): chr15:69,440,768, C>G. VCF-style: chr15-69440768-C-G. GRCh37 (hg19) VCF-style: chr15-69733107-C-G.
Other names: c.1738C>G, p.Leu580Val (NM_001281301.2); c.2068C>G, p.Leu690Val (NM_001367804.2, NM_138555.4); c.2067+281C>G (NM_004856.7); short protein forms L580V, L690V, L704V.
Identifiers: ClinVar variation 3660746 (VCV003660746.2).

ClinVar aggregate classification (germline): Uncertain significance (1 of 4 stars; one submission).

Submission:

Labcorp Genetics (formerly Invitae), Labcorp
Classification: Uncertain significance. Last evaluated: 2025-01-08. Review status: criteria provided, single submitter. Criteria: Invitae Variant Classification Sherloc (09022015). Collection method: clinical testing. Allele origin: germline.
Comment: This sequence change replaces leucine, which is neutral and non-polar, with valine, which is neutral and non-polar, at codon 690 of the KIF23 protein (p.Leu690Val). This variant is not present in population databases (gnomAD no frequency). This variant has not been reported in the literature in individuals affected with KIF23-related conditions. An algorithm developed to predict the effect of missense changes on protein structure and function (PolyPhen-2) suggests that this variant is likely to be tolerated. In summary, the available evidence is currently insufficient to determine the role of this variant in disease. Therefore, it has been classified as a Variant of Uncertain Significance.